The following is an entry in ClinVar:

ClinVar aggregate classification (germline): Uncertain significance (1 of 4 stars; one submission).

Conditions:
Cenani-Lenz syndactyly syndrome. Also called: SYNDACTYLY, TYPE VII; CENANI SYNDACTYLISM. Identifiers: Orphanet 3258, MedGen C1859309, MONDO:0008931, OMIM 212780.
Congenital myasthenic syndrome 17. Identifiers: Orphanet 590, MedGen C4225377, MONDO:0014578, OMIM 616304.
Sclerosteosis 2 (SOST2). Identifiers: Orphanet 3152, MedGen C3280402, MONDO:0013679, OMIM 614305.

Submission:

Labcorp Genetics (formerly Invitae), Labcorp
Classification: Uncertain significance for Cenani-Lenz syndactyly syndrome; Sclerosteosis 2; Congenital myasthenic syndrome 17. Last evaluated: 2022-06-20. Review status: criteria provided, single submitter. Criteria: Invitae Variant Classification Sherloc (09022015). Collection method: clinical testing. Allele origin: germline.
Comment: Algorithms developed to predict the effect of sequence changes on RNA splicing suggest that this variant may disrupt the consensus splice site. In summary, the available evidence is currently insufficient to determine the role of this variant in disease. Therefore, it has been classified as a Variant of Uncertain Significance. Experimental studies have shown that this missense change affects LRP4 function (PMID: 26751728). Algorithms developed to predict the effect of missense changes on protein structure and function (SIFT, PolyPhen-2, Align-GVGD) all suggest that this variant is likely to be disruptive. This missense change has been observed in individual(s) with Cenani-Lenz syndactyly syndrome (PMID: 20381006). This variant is not present in population databases (gnomAD no frequency). This sequence change replaces cysteine, which is neutral and slightly polar, with arginine, which is basic and polar, at codon 1017 of the LRP4 protein (p.Cys1017Arg).

Literature cited by the submitters: PubMed 26751728; PubMed 20381006.

NM_002334.4(LRP4):c.3049T>C (p.Cys1017Arg)

Gene: LRP4 (LDL receptor related protein 4; minus strand). Cytogenetic location: 11p11.2.
Variant type: single nucleotide variant.
Coding change: c.3049T>C on transcript NM_002334.4 (MANE Select); coding-DNA position 3049, T replaced by C.
Protein change: p.Cys1017Arg; replaces cysteine 1017 with arginine.
Molecular consequence: missense variant.
Genome position (GRCh38, 1-based): chr11:46,878,994, A>G on the plus strand (T>C on the coding strand, the complement: LRP4 is on the minus strand). VCF-style: chr11-46878994-A-G. GRCh37 (hg19) VCF-style: chr11-46900545-A-G.
Other names: short protein forms C1017R.
Identifiers: ClinVar variation 1467995 (VCV001467995.8), dbSNP rs2134807022, ClinGen allele CA380277001.